The following is an entry in ClinVar:

ClinVar aggregate classification (germline): Likely benign (0 of 4 stars; one submission).

Conditions:
RERE-related disorder. Also called: RERE-Related Disorders; RERE-related condition. Identifiers: MedGen CN381537.

gnomAD v4.1: 59 of 1,582,862 alleles (0.0037%); highest among the groups gnomAD compares: Admixed American, 0.014%; no homozygotes.

Submission:

PreventionGenetics, part of Exact Sciences
Classification: Likely benign for RERE-related condition. Last evaluated: 2019-06-12. Review status: no assertion criteria provided. Collection method: clinical testing. Allele origin: germline.
Comment: This variant is classified as likely benign based on ACMG/AMP sequence variant interpretation guidelines (Richards et al. 2015 PMID: 25741868, with internal and published modifications).

NM_001042681.2(RERE):c.3270C>T (p.Thr1090=)

Gene: RERE (arginine-glutamic acid dipeptide repeats; minus strand). Cytogenetic location: 1p36.23.
Variant type: single nucleotide variant.
Coding change: c.3270C>T on transcript NM_001042681.2 (MANE Select); coding-DNA position 3270, C replaced by T.
Protein change: p.Thr1090=; no amino-acid change (threonine 1090 retained).
Molecular consequence: synonymous variant.
Genome position (GRCh38, 1-based): chr1:8,360,237, G>A on the plus strand (C>T on the coding strand, the complement: RERE is on the minus strand). VCF-style: chr1-8360237-G-A. GRCh37 (hg19) VCF-style: chr1-8420297-G-A.
Other names: c.1608C>T, p.Thr536= (NM_001042682.2); c.3270C>T, p.Thr1090= (NM_012102.4).
Identifiers: ClinVar variation 3033834 (VCV003033834.2), dbSNP rs746781300, ClinGen allele CA571212.
Genomic context (GRCh38, chr1:8,360,237, plus strand): 5'-TGGGGGAGGGGGGCTCTCAGGCTCCTCAGCGTCGTCCAGAGCCTCCTCCTTGATCTGGAC[G>A]GTGGGGAGTGGGCAGGACGACCCCCCCGCTATGCTGCCTCCTGAAGCCGCCGCACCAGAG-3'
Protein context (NP_001036146.1, residues 1080-1100): IAGGSSCPLP[Thr1090=]VQIKEEALDD